The following is an entry in ClinVar:

NM_001384474.1(LOXHD1):c.1021C>T (p.Arg341Ter)

Gene: LOXHD1 (lipoxygenase homology PLAT domains 1; minus strand). Cytogenetic location: 18q21.1.
Variant type: single nucleotide variant.
Coding change: c.1021C>T on transcript NM_001384474.1 (MANE Select); coding-DNA position 1021, C replaced by T.
Protein change: p.Arg341Ter; replaces arginine 341 with a stop codon.
Molecular consequence: nonsense.
Genome position (GRCh38, 1-based): chr18:46,601,330, G>A on the plus strand (C>T on the coding strand, the complement: LOXHD1 is on the minus strand). VCF-style: chr18-46601330-G-A. GRCh37 (hg19) VCF-style: chr18-44181293-G-A.
Other names: c.1021C>T, p.Arg341Ter (NM_144612.7); c.1021C>T (NM_144612.6); short protein forms R341*.
Identifiers: ClinVar variation 1457552 (VCV001457552.9), dbSNP rs931911802, ClinGen allele CA402381696.

ClinVar aggregate classification (germline): Pathogenic/Likely pathogenic. Review status: criteria provided, multiple submitters, no conflicts (2 of 4 stars). 3 submissions from 3 submitters: Pathogenic (1); Likely pathogenic (1). 1 of the submissions does not count toward it. Last evaluated 2024-09-13.

Conditions:
Autosomal recessive nonsyndromic hearing loss 77. Identifiers: Orphanet 90636, MedGen C2746083, MONDO:0013119, OMIM 613079.
LOXHD1-related disorder. Also called: LOXHD1-related condition.

Allele frequency attached by ClinVar (database versions not stated): gnomAD 0.00001.
gnomAD v4.1: 5 of 1,551,484 alleles (0.00032%); highest among the groups gnomAD compares: African/African-American, 0.0041%; no homozygotes.

Submissions (3):

Natera, Inc.
Classification: Likely pathogenic for Autosomal recessive deafness type 77. Last evaluated: 2024-09-13. Review status: criteria provided, single submitter. Criteria: Natera Variant Classification Schema (03/2026). Collection method: clinical testing. Allele origin: germline.
Comment: The c.1021C>T variant in LOXHD1 is a nonsense variant predicted to introduce a stop codon at amino acid 341. This variant is expected to result in nonsense mediated decay, truncation, or a dysfunctional protein product. This variant is rare in the general population with a frequency below the threshold expected for the associated phenotype(s). Given the available evidence, this variant is classified as Likely Pathogenic.

Labcorp Genetics (formerly Invitae), Labcorp
Classification: Pathogenic. Last evaluated: 2023-12-12. Review status: criteria provided, single submitter. Criteria: Invitae Variant Classification Sherloc (09022015). Collection method: clinical testing. Allele origin: germline.
Comment: This sequence change creates a premature translational stop signal (p.Arg341*) in the LOXHD1 gene. It is expected to result in an absent or disrupted protein product. Loss-of-function variants in LOXHD1 are known to be pathogenic (PMID: 19732867, 21465660, 25792669). This variant is not present in population databases (gnomAD no frequency). This variant has not been reported in the literature in individuals affected with LOXHD1-related conditions. ClinVar contains an entry for this variant (Variation ID: 1457552). For these reasons, this variant has been classified as Pathogenic.

PreventionGenetics, part of Exact Sciences
Classification: Likely pathogenic for LOXHD1-related condition. Last evaluated: 2023-12-01. Review status: no assertion criteria provided. Collection method: clinical testing. Allele origin: germline. Not counted in ClinVar's aggregate classification.
Comment: The LOXHD1 c.1021C>T variant is predicted to result in premature protein termination (p.Arg341*). To our knowledge, this variant has not been reported in the literature or in a large population database, indicating this variant is rare. Nonsense variants in LOXHD1 are expected to be pathogenic. This variant is interpreted as likely pathogenic.

Literature cited by the submitters: PubMed 19732867 (cited by Labcorp Genetics (formerly Invitae), Labcorp); PubMed 21465660 (cited by Labcorp Genetics (formerly Invitae), Labcorp); PubMed 25792669 (cited by Labcorp Genetics (formerly Invitae), Labcorp).